The following is an entry in ClinVar:

NM_020376.4(PNPLA2):c.891G>A (p.Leu297=)

Gene: PNPLA2 (patatin like domain 2, triacylglycerol lipase; plus strand). Cytogenetic location: 11p15.5.
Variant type: single nucleotide variant.
Coding change: c.891G>A on transcript NM_020376.4 (MANE Select); coding-DNA position 891, G replaced by A.
Protein change: p.Leu297=; no amino-acid change (leucine 297 retained).
Molecular consequence: synonymous variant.
Genome position (GRCh38, 1-based): chr11:823,827, G>A. VCF-style: chr11-823827-G-A. GRCh37 (hg19) VCF-style: chr11-823827-G-A.
Other names: c.891G>A (NM_020376.3).
Identifiers: ClinVar variation 1644311 (VCV001644311.10), dbSNP rs572200318, ClinGen allele CA5791216.

ClinVar aggregate classification (germline): Likely benign. Review status: criteria provided, single submitter (1 of 4 stars). 2 submissions from 2 submitters: Likely benign (1). 1 of the submissions does not count toward it. Last evaluated 2025-12-15.

Conditions:
PNPLA2-related disorder. Also called: PNPLA2-related condition.
Neutral lipid storage myopathy (NLSDM). Also called: NEUTRAL LIPID STORAGE DISEASE WITHOUT ICHTHYOSIS. Identifiers: Orphanet 98908, MedGen C1853136, MONDO:0012545, OMIM 610717.

Allele frequency attached by ClinVar (database versions not stated): gnomAD 0.00004 and 0.00005; gnomAD exomes 0.00005 and 0.00011; TOPMed 0.00005; ExAC 0.00011.

Submissions (2):

Labcorp Genetics (formerly Invitae), Labcorp
Classification: Likely benign for Neutral lipid storage myopathy. Last evaluated: 2025-12-15. Review status: criteria provided, single submitter. Criteria: Invitae Variant Classification Sherloc (09022015). Collection method: clinical testing. Allele origin: germline.

PreventionGenetics, part of Exact Sciences
Classification: Likely benign for PNPLA2-related condition. Last evaluated: 2022-01-03. Review status: no assertion criteria provided. Collection method: clinical testing. Allele origin: germline. Not counted in ClinVar's aggregate classification.
Comment: This variant is classified as likely benign based on ACMG/AMP sequence variant interpretation guidelines (Richards et al. 2015 PMID: 25741868, with internal and published modifications).